The following is an entry in ClinVar:

ClinVar aggregate classification (germline): Likely benign (1 of 4 stars; one submission).

gnomAD v4.1: 61 of 1,613,870 alleles (0.0038%); highest among the groups gnomAD compares: African/African-American, 0.057%; no homozygotes.

Submission:

CeGaT Center for Human Genetics Tuebingen
Classification: Likely benign. Last evaluated: 2025-07-01. Review status: criteria provided, single submitter. Criteria: CeGaT Center For Human Genetics Tuebingen Variant Classification Criteria Version 2. Collection method: clinical testing. Allele origin: germline. Affected: yes. Observed: 1 variant allele.
Comment: NOA1: BP4, BP7

NM_032313.4(NOA1):c.1692C>T (p.Leu564=)

Gene: NOA1 (nitric oxide associated 1; minus strand). Cytogenetic location: 4q12.
Variant type: single nucleotide variant.
Coding change: c.1692C>T on transcript NM_032313.4 (MANE Select); coding-DNA position 1692, C replaced by T.
Protein change: p.Leu564=; no amino-acid change (leucine 564 retained).
Molecular consequence: synonymous variant.
Genome position (GRCh38, 1-based): chr4:56,966,692, G>A on the plus strand (C>T on the coding strand, the complement: NOA1 is on the minus strand). VCF-style: chr4-56966692-G-A. GRCh37 (hg19) VCF-style: chr4-57832858-G-A.
Identifiers: ClinVar variation 4084596 (VCV004084596.8).